The following is an entry in ClinVar:

NM_000264.5(PTCH1):c.2122A>G (p.Thr708Ala)

Genes: PTCH1 (patched 1; minus strand), LOC100507346 (uncharacterized LOC100507346; plus strand). Cytogenetic location: 9q22.32.
Variant type: single nucleotide variant.
Coding change: c.2122A>G on transcript NM_000264.5 (MANE Select); coding-DNA position 2122, A replaced by G.
Protein change: p.Thr708Ala; replaces threonine 708 with alanine.
Molecular consequence: missense variant. On other transcripts: non-coding transcript variant (2).
Genome position (GRCh38, 1-based): chr9:95,468,879, T>C on the plus strand (A>G on the coding strand, the complement: PTCH1 is on the minus strand). VCF-style: chr9-95468879-T-C. GRCh37 (hg19) VCF-style: chr9-98231161-T-C.
Other names: c.1924A>G, p.Thr642Ala (NM_001083602.3); c.2119A>G, p.Thr707Ala (NM_001083603.3); c.1669A>G, p.Thr557Ala (NM_001083604.3, NM_001083605.3, NM_001083606.3 and 1 more transcripts); c.1966A>G, p.Thr656Ala (NM_001354918.2); short protein forms T557A, T707A, T708A, T656A, T642A.
Identifiers: ClinVar variation 2008189 (VCV002008189.5), dbSNP rs2538145491, ClinGen allele CA374115610.
Genomic context (GRCh38, chr9:95,468,879, plus strand): 5'-TACAGGGGGGCTCGAGGCAGTGGAGGCTGGAGTCGGAGAACTGGGAGAGCAGGTCCCTTG[T>C]GGAGCTGGTGCTCTCTGGGCTCTGGCAGCTGAGGGTGTCCTGTGTCACGGTGACGGGCTG-3'
Protein context (NP_000255.2, residues 698-718): SCQSPESTSS[Thr708Ala]RDLLSQFSDS

ClinVar aggregate classification (germline): Uncertain significance. Review status: criteria provided, multiple submitters, no conflicts (2 of 4 stars). 2 submissions from 2 submitters: Uncertain significance (2). Last evaluated 2024-11-08.

Conditions:
Hereditary cancer-predisposing syndrome. Also called: Neoplastic Syndromes, Hereditary; Hereditary neoplastic syndrome; Tumor predisposition; Hereditary Cancer Syndrome. Identifiers: Orphanet 140162, MedGen C0027672, MeSH D009386, MONDO:0015356.
Gorlin syndrome. Also called: Nevoid Basal Cell Carcinoma Syndrome; Basal cell nevus syndrome. Identifiers: Orphanet 377, MedGen C0004779, MONDO:0007187.

Allele frequency attached by ClinVar (database versions not stated): gnomAD exomes below 0.00001.
gnomAD v4.1: 1 of 1,614,092 alleles (0.000062%); highest among the groups gnomAD compares: Non-Finnish European, 0.000085%; no homozygotes.

Submissions (2):

Ambry Genetics
Classification: Uncertain significance for Hereditary cancer-predisposing syndrome. Last evaluated: 2024-11-08. Review status: criteria provided, single submitter. Criteria: Ambry Variant Classification Scheme 2023. Collection method: clinical testing. Allele origin: germline.
Comment: The p.T708A variant (also known as c.2122A>G), located in coding exon 14 of the PTCH1 gene, results from an A to G substitution at nucleotide position 2122. The threonine at codon 708 is replaced by alanine, an amino acid with similar properties. This amino acid position is conserved. In addition, the in silico prediction for this alteration is inconclusive. Based on the available evidence, the clinical significance of this variant remains unclear.

Labcorp Genetics (formerly Invitae), Labcorp
Classification: Uncertain significance for Gorlin syndrome. Last evaluated: 2022-06-21. Review status: criteria provided, single submitter. Criteria: Invitae Variant Classification Sherloc (09022015). Collection method: clinical testing. Allele origin: germline.
Comment: In summary, the available evidence is currently insufficient to determine the role of this variant in disease. Therefore, it has been classified as a Variant of Uncertain Significance. Algorithms developed to predict the effect of missense changes on protein structure and function (SIFT, PolyPhen-2, Align-GVGD) all suggest that this variant is likely to be tolerated. This variant has not been reported in the literature in individuals affected with PTCH1-related conditions. This variant is not present in population databases (gnomAD no frequency). This sequence change replaces threonine, which is neutral and polar, with alanine, which is neutral and non-polar, at codon 708 of the PTCH1 protein (p.Thr708Ala).